The following is an entry in ClinVar:

NM_001759.3(CCND2):c.-608A>G

Genes: CCND2 (cyclin D2; plus strand), CCND2-AS1 (CCND2 antisense RNA 1; minus strand). Cytogenetic location: 12p13.32.
Variant type: single nucleotide variant.
Coding change: c.-608A>G on transcript NM_001759.3; 608 bases upstream of the start codon, A replaced by G.
Genome position (GRCh38, 1-based): chr12:4,273,433, A>G. VCF-style: chr12-4273433-A-G. GRCh37 (hg19) VCF-style: chr12-4382599-A-G.
Identifiers: ClinVar variation 673833 (VCV000673833.3), dbSNP rs3217783, ClinGen allele CA232171383.

ClinVar aggregate classification (germline): Benign (1 of 4 stars; one submission).

Allele frequency attached by ClinVar (database versions not stated): gnomAD 0.02282 and 0.02444; TOPMed 0.02639; 1000 Genomes Project 30x 0.02826; 1000 Genomes Project 0.02875.

Submission:

GeneDx
Classification: Benign. Last evaluated: 2018-06-16. Review status: criteria provided, single submitter. Criteria: GeneDx Variant Classification (06012015). Collection method: clinical testing. Allele origin: germline. Affected: yes.
Comment: This variant is considered likely benign or benign based on one or more of the following criteria: it is a conservative change, it occurs at a poorly conserved position in the protein, it is predicted to be benign by multiple in silico algorithms, and/or has population frequency not consistent with disease.